The following is an entry in ClinVar:

ClinVar aggregate classification (germline): Uncertain significance (1 of 4 stars; one submission).

Conditions:
Congenital contractural arachnodactyly (CCA). Also called: BEALS SYNDROME; Arthrogryposis, distal, type 9; Beals-Hecht syndrome. Identifiers: Orphanet 115, MedGen C0220668, MONDO:0007363, OMIM 121050.

Submission:

Labcorp Genetics (formerly Invitae), Labcorp
Classification: Uncertain significance for Congenital contractural arachnodactyly. Last evaluated: 2025-12-01. Review status: criteria provided, single submitter. Criteria: Invitae Variant Classification Sherloc (09022015). Collection method: clinical testing. Allele origin: germline.
Comment: This sequence change replaces tyrosine, which is neutral and polar, with serine, which is neutral and polar, at codon 557 of the FBN2 protein (p.Tyr557Ser). This variant is not present in population databases (gnomAD no frequency). This variant has not been reported in the literature in individuals affected with FBN2-related conditions. Invitae Evidence Modeling of protein sequence and biophysical properties (such as structural, functional, and spatial information, amino acid conservation, physicochemical variation, residue mobility, and thermodynamic stability) indicates that this missense variant is not expected to disrupt FBN2 protein function with a negative predictive value of 80%. In summary, the available evidence is currently insufficient to determine the role of this variant in disease. Therefore, it has been classified as a Variant of Uncertain Significance.

NM_001999.4(FBN2):c.1670A>C (p.Tyr557Ser)

Gene: FBN2 (fibrillin 2; minus strand). Cytogenetic location: 5q23.3.
Variant type: single nucleotide variant.
Coding change: c.1670A>C on transcript NM_001999.4 (MANE Select); coding-DNA position 1670, A replaced by C.
Protein change: p.Tyr557Ser; replaces tyrosine 557 with serine.
Molecular consequence: missense variant.
Genome position (GRCh38, 1-based): chr5:128,378,824, T>G on the plus strand (A>C on the coding strand, the complement: FBN2 is on the minus strand). VCF-style: chr5-128378824-T-G. GRCh37 (hg19) VCF-style: chr5-127714517-T-G.
Other names: short protein forms Y557S.
Identifiers: ClinVar variation 4745146 (VCV004745146.1).